The following is an entry in ClinVar:

ClinVar aggregate classification (germline): Uncertain significance. Review status: criteria provided, multiple submitters, no conflicts (2 of 4 stars). 5 submissions from 5 submitters: Uncertain significance (4). 1 of the submissions does not count toward it. Last evaluated 2026-01-13.

Conditions:
Hereditary cancer-predisposing syndrome. Also called: Tumor predisposition; Hereditary neoplastic syndrome; Neoplastic Syndromes, Hereditary; Hereditary Cancer Syndrome. Identifiers: Orphanet 140162, MedGen C0027672, MeSH D009386, MONDO:0015356.
Ataxia-telangiectasia syndrome (AT). Also called: Cerebello-oculocutaneous telangiectasia; Immunodeficiency with ataxia telangiectasia; Ataxia-telangiectasia; LOUIS-BAR SYNDROME; Ataxia telangiectasia (A-T); Ataxia-telangiectasia, complementation group D. Identifiers: Orphanet 100, MedGen C0004135, MONDO:0008840, OMIM 208900.

Allele frequency attached by ClinVar (database versions not stated): gnomAD exomes below 0.00001.
gnomAD v4.1: 1 of 1,599,020 alleles (0.000063%); highest among the groups gnomAD compares: Non-Finnish European, 0.000085%; no homozygotes.

Submissions (5):

Labcorp Genetics (formerly Invitae), Labcorp
Classification: Uncertain significance for Ataxia-telangiectasia syndrome. Last evaluated: 2026-01-13. Review status: criteria provided, single submitter. Criteria: Invitae Variant Classification Sherloc (09022015). Collection method: clinical testing. Allele origin: germline.
Comment: This sequence change replaces glutamic acid, which is acidic and polar, with glycine, which is neutral and non-polar, at codon 299 of the ATM protein (p.Glu299Gly). This variant is not present in population databases (gnomAD no frequency). This variant has not been reported in the literature in individuals affected with ATM-related conditions. ClinVar contains an entry for this variant (Variation ID: 127467). Invitae Evidence Modeling of protein sequence and biophysical properties (such as structural, functional, and spatial information, amino acid conservation, physicochemical variation, residue mobility, and thermodynamic stability) indicates that this missense variant is not expected to disrupt ATM protein function with a negative predictive value of 95%. In summary, the available evidence is currently insufficient to determine the role of this variant in disease. Therefore, it has been classified as a Variant of Uncertain Significance.

Blueprint Genetics
Classification: Uncertain significance. Last evaluated: 2024-05-08. Review status: criteria provided, single submitter. Criteria: ACMG Guidelines, 2015. Collection method: clinical testing. Allele origin: germline.

Ambry Genetics
Classification: Uncertain significance for Hereditary cancer-predisposing syndrome. Last evaluated: 2023-11-23. Review status: criteria provided, single submitter. Criteria: Ambry Variant Classification Scheme 2023. Collection method: clinical testing. Allele origin: germline.
Comment: The p.E299G variant (also known as c.896A>G), located in coding exon 6 of the ATM gene, results from an A to G substitution at nucleotide position 896. The glutamic acid at codon 299 is replaced by glycine, an amino acid with similar properties. This variant was not reported in population based cohorts in the following databases: Database of Single Nucleotide Polymorphisms (dbSNP), NHLBI Exome Sequencing Project (ESP), and 1000 Genomes Project. In the ESP, this variant was not observed in 6485 samples (12970 alleles) with coverage at this position. To date, this alteration has been detected with an allele frequency of approximately 0.001% (greater than 180000 alleles tested) in our clinical cohort. This amino acid position is not well conserved in available vertebrate species. In addition, this alteration is predicted to be tolerated by in silico analysis. Since supporting evidence is limited at this time, the clinical significance of this alteration remains unclear.

Color Diagnostics, LLC DBA Color Health
Classification: Uncertain significance for Hereditary cancer-predisposing syndrome. Last evaluated: 2018-12-09. Review status: criteria provided, single submitter. Criteria: ACMG Guidelines, 2015. Collection method: clinical testing. Allele origin: germline.

Natera, Inc.
Classification: Uncertain significance for Ataxia-telangiectasia. Last evaluated: 2020-02-26. Review status: no assertion criteria provided. Collection method: clinical testing. Allele origin: germline. Not counted in ClinVar's aggregate classification.

NM_000051.4(ATM):c.896A>G (p.Glu299Gly)

Gene: ATM (ATM serine/threonine kinase; plus strand). Cytogenetic location: 11q22.3.
Variant type: single nucleotide variant.
Coding change: c.896A>G on transcript NM_000051.4 (MANE Select); coding-DNA position 896, A replaced by G.
Protein change: p.Glu299Gly; replaces glutamic acid 299 with glycine.
Molecular consequence: missense variant.
Genome position (GRCh38, 1-based): chr11:108,245,021, A>G. VCF-style: chr11-108245021-A-G. GRCh37 (hg19) VCF-style: chr11-108115748-A-G.
Other names: c.896A>G, p.Glu299Gly (NM_001351834.2); short protein forms E299G.
Identifiers: ClinVar variation 127467 (VCV000127467.17), dbSNP rs587779876, ClinGen allele CA287039.
Genomic context (GRCh38, chr11:108,245,021, plus strand): 5'-TTATTGAATTATTTCAACTGCAAATTTATATCCATCATCCGAAAGGAGCCAAAACCCAAG[A>G]AAAAGGTATAAAGGAAATGTTTACTGTTTTGAATTTGCTTCTTCATTCAAACATAGAAGT-3'
Protein context (NP_000042.3, residues 289-309): IHHPKGAKTQ[Glu299Gly]KGAYESTKWR